The following is an entry in ClinVar:

ClinVar aggregate classification (germline): Pathogenic (1 of 4 stars; one submission).

Submission:

Labcorp Genetics (formerly Invitae), Labcorp
Classification: Pathogenic. Last evaluated: 2022-11-08. Review status: criteria provided, single submitter. Criteria: Invitae Variant Classification Sherloc (09022015). Collection method: clinical testing. Allele origin: germline.
Comment: This sequence change creates a premature translational stop signal (p.Arg912Profs*87) in the ZNF469 gene. It is expected to result in an absent or disrupted protein product. Loss-of-function variants in ZNF469 are known to be pathogenic (PMID: 23642083, 23680354). For these reasons, this variant has been classified as Pathogenic. This variant has not been reported in the literature in individuals affected with ZNF469-related conditions. This variant is not present in population databases (gnomAD no frequency).

Literature cited by the submitters: PubMed 23642083; PubMed 23680354.

NM_001367624.2(ZNF469):c.2734dup (p.Arg912fs)

Gene: ZNF469 (zinc finger protein 469; plus strand). Cytogenetic location: 16q24.2.
Variant type: Duplication.
Coding change: c.2734dup on transcript NM_001367624.2 (MANE Select); coding-DNA position 2734, one base duplicated (C; older notation c.2734dupC).
Protein change: p.Arg912fs; shifts the reading frame from arginine 912.
Molecular consequence: frameshift variant.
Genome position (GRCh38, 1-based): chr16:88,430,204, C duplicated; the last of 6 consecutive C bases (chr16:88,430,199-88,430,204); duplicating any one gives the same sequence. VCF-style (leftmost placement, unchanged base first): chr16-88430198-A-AC. GRCh37 (hg19) VCF-style: chr16-88496606-A-AC.
Other names: short protein forms R912fs.
Identifiers: ClinVar variation 2794672 (VCV002794672.3), dbSNP rs1567510759, ClinGen allele CA2634824219.